The following is an entry in ClinVar:

NM_022436.3(ABCG5):c.591G>A (p.Glu197=)

Genes: ABCG5 (ATP binding cassette subfamily G member 5; minus strand), DYNC2LI1 (dynein cytoplasmic 2 light intermediate chain 1; plus strand). Cytogenetic location: 2p21.
Variant type: single nucleotide variant.
Coding change: c.591G>A on transcript NM_022436.3 (MANE Select); coding-DNA position 591, G replaced by A.
Protein change: p.Glu197=; no amino-acid change (glutamic acid 197 retained).
Molecular consequence: synonymous variant. On other transcripts: 3 prime UTR variant (2).
Genome position (GRCh38, 1-based): chr2:43,828,026, C>T on the plus strand (G>A on the coding strand, the complement: ABCG5 is on the minus strand). VCF-style: chr2-43828026-C-T. GRCh37 (hg19) VCF-style: chr2-44055165-C-T.
Other names: c.*656C>T (NM_001348912.2, NM_001348913.2).
Identifiers: ClinVar variation 4988064 (VCV004988064.1).

ClinVar aggregate classification (germline): Likely benign (1 of 4 stars; one submission).

Conditions:
ABCG5-related disorder. Also called: ABCG5-related condition.

gnomAD v4.1: 3 of 1,614,146 alleles (0.00019%); highest among the groups gnomAD compares: Admixed American, 0.0033%; no homozygotes.

Submission:

PreventionGenetics, part of Exact Sciences
Classification: Likely benign for ABCG5-related condition. Last evaluated: 2025-05-21. Review status: criteria provided, single submitter. Criteria: ACMG Guidelines, 2015. Collection method: clinical testing. Allele origin: germline.
Comment: This variant is classified as likely benign based on ACMG/AMP sequence variant interpretation guidelines (Richards et al. 2015 PMID: 25741868, with internal and published modifications).